The following is an entry in ClinVar:

NM_001318510.2(ACSL4):c.1414C>G (p.Pro472Ala)

Gene: ACSL4 (acyl-CoA synthetase long chain family member 4; minus strand). Cytogenetic location: Xq23.
Variant type: single nucleotide variant.
Coding change: c.1414C>G on transcript NM_001318510.2 (MANE Select); coding-DNA position 1414, C replaced by G.
Protein change: p.Pro472Ala; replaces proline 472 with alanine.
Molecular consequence: missense variant.
Genome position (GRCh38, 1-based): chrX:109,663,379, G>C on the plus strand (C>G on the coding strand, the complement: ACSL4 is on the minus strand). VCF-style: chrX-109663379-G-C. GRCh37 (hg19) VCF-style: chrX-108906608-G-C.
Other names: c.1537C>G, p.Pro513Ala (NM_001318509.2, NM_022977.3); c.1414C>G, p.Pro472Ala (NM_004458.3); c.1414C>G (NM_004458.2); short protein forms P472A, P513A.
Identifiers: ClinVar variation 1299444 (VCV001299444.6), dbSNP rs375616665, ClinGen allele CA10491009.

ClinVar aggregate classification (germline): Uncertain significance. Review status: criteria provided, multiple submitters, no conflicts (2 of 4 stars). 3 submissions from 3 submitters: Uncertain significance (3). Last evaluated 2022-05-27.

Allele frequency attached by ClinVar (database versions not stated): ExAC 0.00001; gnomAD exomes 0.00001 and 0.00002; TOPMed 0.00002; gnomAD 0.00004; ESP Exome Variant Server 0.00009.
gnomAD v4.1: 23 of 1,207,658 alleles (0.0019%); highest among the groups gnomAD compares: African/African-American, 0.0053%; no homozygotes.

Submissions (3):

Clinical Genetics Laboratory, Skane University Hospital Lund
Classification: Uncertain significance. Last evaluated: 2022-05-27. Review status: criteria provided, single submitter. Criteria: ACMG Guidelines, 2015. Collection method: clinical testing. Allele origin: germline. Affected: yes.

Blueprint Genetics
Classification: Uncertain significance. Last evaluated: 2020-06-08. Review status: criteria provided, single submitter. Criteria: ACMG Guidelines, 2015. Collection method: clinical testing. Allele origin: germline.

Illumina Laboratory Services, Illumina
Classification: Uncertain significance. Last evaluated: 2017-06-30. Review status: criteria provided, single submitter. Criteria: ICSLVariantClassificationCriteria RUGD 01 April 2020. Collection method: clinical testing. Allele origin: unknown.
Comment: The ACSL4 c.1537C>G (p.Pro513Ala) variant is a missense variant. A literature search was performed for the gene, cDNA change, and amino acid change. No publications were found based on this search. This variant is reported at a frequency of 0.000011 in the Total population of the Genome Aggregation Database, though this is based on only two occurrences in a region of good sequencing coverage, which suggests the variant is rare. Based on the available evidence, the p.Pro513Ala variant is classified as a variant of uncertain significance.